The following is an entry in ClinVar:

ClinVar aggregate classification (germline): Uncertain significance. Review status: criteria provided, multiple submitters, no conflicts (2 of 4 stars). 4 submissions from 4 submitters: Uncertain significance (4). Last evaluated 2026-06-05.

Conditions:
Autosomal recessive nonsyndromic hearing loss 9. Also called: NEUROSENSORY NONSYNDROMIC RECESSIVE DEAFNESS 9; AUDITORY NEUROPATHY, AUTOSOMAL RECESSIVE, 1, TEMPERATURE-SENSITIVE; OTOF-Related Hearing Loss; Deafness, autosomal recessive 9. Identifiers: Orphanet 90636, MedGen C1832828, MONDO:0010986, OMIM 601071.

Allele frequency attached by ClinVar (database versions not stated): gnomAD 0.00001; TOPMed 0.00005; ExAC 0.00006; 1000 Genomes Project 30x 0.00016; 1000 Genomes Project 0.00020.
gnomAD v4.1: 22 of 1,613,864 alleles (0.0014%); highest among the groups gnomAD compares: East Asian, 0.045%; no homozygotes.

Submissions (4):

Women's Health and Genetics/Laboratory Corporation of America, LabCorp
Classification: Uncertain significance. Last evaluated: 2026-06-05. Review status: criteria provided, single submitter. Criteria: LabCorp Variant Classification Summary - May 2015. Collection method: clinical testing. Allele origin: germline.
Comment: Variant summary: OTOF c.4227+5G>C alters a nucleotide located close to a canonical splice site and therefore could affect mRNA splicing, leading to a significantly altered protein sequence. Several computational tools predict a significant impact on normal splicing: Four predict the variant weakens a 5' donor site. However, these predictions have yet to be confirmed by functional studies. The variant allele was found at a frequency of 0.0001 in 251410 control chromosomes. This frequency is not significantly higher than estimated for disease-causing variants in OTOF, allowing no conclusion about variant significance. c.4227+5G>C has been observed in individuals affected with hearing loss (e.g. Kim_2018, Wu_2019, Kim_2022). However, these data do not allow any conclusion about variant significance. To our knowledge, no experimental evidence demonstrating an impact on protein function has been reported. The following publications have been ascertained in the context of this evaluation (PMID: 30482216, 35853923, 31581539). ClinVar contains an entry for this variant (Variation ID: 179090). Based on the evidence outlined above, the variant was classified as uncertain significance.

GeneDx
Classification: Uncertain significance. Last evaluated: 2025-10-06. Review status: criteria provided, single submitter. Criteria: GeneDx Variant Classification Process June 2021. Collection method: clinical testing. Allele origin: germline.
Comment: Identified in patients with hearing loss in published literature, however, it is unknown if auditory neuropathy was present (PMID: 35853923, 34097718); In silico analysis indicates that this variant does not alter splicing; This variant is associated with the following publications: (PMID: 31581539, 35853923, 34097718, 30482216)

Laboratory for Molecular Medicine, Mass General Brigham Personalized Medicine
Classification: Uncertain significance. Last evaluated: 2013-08-06. Review status: criteria provided, single submitter. Criteria: LMM Criteria. Collection method: clinical testing. Allele origin: germline. Observed: 1 variant allele.
Comment: The 4227+5G>C variant in OTOF has not been reported in the literature or in larg e population studies. This variant is located in the 5' splice region but not in the invariant +1/2 splice site positions. Computational tools do not suggest an impact to splicing, though this information is not predictive enough to rule ou t pathogenicity. In summary, additional information is needed to determine the c linical significance of this variant.

Juno Genomics, Hangzhou Juno Genomics, Inc
Classification: Uncertain significance for Autosomal recessive nonsyndromic hearing loss 9. Review status: criteria provided, single submitter. Criteria: ACMG Guidelines, 2015. Collection method: clinical testing. Allele origin: germline.
Comment: Absent from controls (or at extremely low frequency if recessive) in Genome Aggregation Database.;For recessive disorders, detected in trans with a pathogenic variant.

Literature cited by the submitters: PubMed 31581539 (cited by Women's Health and Genetics/Laboratory Corporation of America, LabCorp); PubMed 30482216 (cited by Women's Health and Genetics/Laboratory Corporation of America, LabCorp); PubMed 35853923 (cited by Women's Health and Genetics/Laboratory Corporation of America, LabCorp).

NM_194248.3(OTOF):c.4227+5G>C

Gene: OTOF (otoferlin; minus strand). Cytogenetic location: 2p23.3.
Variant type: single nucleotide variant.
Coding change: c.4227+5G>C on transcript NM_194248.3 (MANE Select); 5 bases into the intron after coding-DNA position 4227, G replaced by C.
Molecular consequence: intron variant.
Genome position (GRCh38, 1-based): chr2:26,467,360, C>G on the plus strand (G>C on the coding strand, the complement: OTOF is on the minus strand). VCF-style: chr2-26467360-C-G. GRCh37 (hg19) VCF-style: chr2-26690228-C-G.
Other names: c.4227+5G>C (NM_001287489.2); c.1926+5G>C (NM_194323.3, NM_004802.4); c.2157+5G>C (NM_194322.3).
Identifiers: ClinVar variation 179090 (VCV000179090.9), dbSNP rs571671530, ClinGen allele CA183705.